The following is an entry in ClinVar:

ClinVar aggregate classification (germline): Uncertain significance (1 of 4 stars; one submission).

Conditions:
Hereditary cancer-predisposing syndrome. Also called: Tumor predisposition; Hereditary neoplastic syndrome; Hereditary Cancer Syndrome; Neoplastic Syndromes, Hereditary. Identifiers: Orphanet 140162, MedGen C0027672, MeSH D009386, MONDO:0015356.

Submission:

Ambry Genetics
Classification: Uncertain significance for Hereditary cancer-predisposing syndrome. Last evaluated: 2023-11-24. Review status: criteria provided, single submitter. Criteria: Ambry Variant Classification Scheme 2023. Collection method: clinical testing. Allele origin: germline.
Comment: The p.D275E variant (also known as c.825C>G), located in coding exon 7 of the SDHA gene, results from a C to G substitution at nucleotide position 825. The aspartic acid at codon 275 is replaced by glutamic acid, an amino acid with highly similar properties. This amino acid position is conserved. In addition, this alteration is predicted to be deleterious by in silico analysis. Since supporting evidence is limited at this time, the clinical significance of this alteration remains unclear.

NM_004168.4(SDHA):c.825C>G (p.Asp275Glu)

Gene: SDHA (succinate dehydrogenase complex flavoprotein subunit A; plus strand). Cytogenetic location: 5p15.33.
Variant type: single nucleotide variant.
Coding change: c.825C>G on transcript NM_004168.4 (MANE Select); coding-DNA position 825, C replaced by G.
Protein change: p.Asp275Glu; replaces aspartic acid 275 with glutamic acid.
Molecular consequence: missense variant.
Genome position (GRCh38, 1-based): chr5:230,930, C>G. VCF-style: chr5-230930-C-G. GRCh37 (hg19) VCF-style: chr5-231045-C-G.
Other names: c.681C>G, p.Asp227Glu (NM_001294332.2); c.825C>G, p.Asp275Glu (NM_001330758.2); short protein forms D227E, D275E.
Identifiers: ClinVar variation 3223759 (VCV003223759.1), dbSNP rs1237373391, ClinGen allele CA359011718.